The following is an entry in ClinVar:

ClinVar aggregate classification (germline): Conflicting classifications of pathogenicity. Review status: criteria provided, conflicting classifications (1 of 4 stars). 2 submissions from 2 submitters: Uncertain significance (1); Likely benign (1). Last evaluated 2023-05-15.

Conditions:
Malignant hyperthermia, susceptibility to, 5 (MHS5). Also called: CACNA1S-Related Malignant Hyperthermia Susceptibility. Identifiers: Orphanet 423, MedGen C1866077, MONDO:0011163, OMIM 601887.
Hypokalemic periodic paralysis, type 1. Also called: HypoPP; Hypokalemic Periodic Paralysis Type 1 (AD). Identifiers: Orphanet 681, MedGen C3714580, MONDO:0042979, OMIM 170400.

Allele frequency attached by ClinVar (database versions not stated): gnomAD exomes below 0.00001; gnomAD 0.00001; TOPMed 0.00002.
gnomAD v4.1: 4 of 1,613,716 alleles (0.00025%); highest among the groups gnomAD compares: African/African-American, 0.0053%; no homozygotes.

Submissions (2):

All of Us Research Program, National Institutes of Health
Classification: Uncertain significance for Malignant hyperthermia, susceptibility to, 5. Last evaluated: 2023-05-15. Review status: criteria provided, single submitter. Criteria: ACMG Guidelines, 2015. Collection method: clinical testing. Allele origin: germline. Inheritance: Autosomal dominant inheritance. Observed: 1 variant allele, 1 heterozygote.
Comment: This variant is located in the CACNA1S protein. To our knowledge, functional studies have not been reported for this variant. This variant has not been reported in individuals affected with CACNA1S-related disorders in the literature. This variant has not been identified in the general population by the Genome Aggregation Database (gnomAD). The available evidence is insufficient to determine the role of this variant in disease conclusively. Therefore, this variant is classified as a Variant of Uncertain Significance.

This study involves interpretation of variants in research participants for the purpose of population health screening. Participant phenotype was not available at the time of variant classification. Additional details can be found in publication PMID: 35346344, PMCID: PMC8962531

Labcorp Genetics (formerly Invitae), Labcorp
Classification: Likely benign for Hypokalemic periodic paralysis, type 1; Malignant hyperthermia, susceptibility to, 5. Last evaluated: 2022-06-13. Review status: criteria provided, single submitter. Criteria: Invitae Variant Classification Sherloc (09022015). Collection method: clinical testing. Allele origin: germline.

NM_000069.3(CACNA1S):c.3690C>T (p.Ile1230=)

Gene: CACNA1S (calcium voltage-gated channel subunit alpha1 S; minus strand). Cytogenetic location: 1q32.1.
Variant type: single nucleotide variant.
Coding change: c.3690C>T on transcript NM_000069.3 (MANE Select); coding-DNA position 3690, C replaced by T.
Protein change: p.Ile1230=; no amino-acid change (isoleucine 1230 retained).
Molecular consequence: synonymous variant.
Genome position (GRCh38, 1-based): chr1:201,053,564, G>A on the plus strand (C>T on the coding strand, the complement: CACNA1S is on the minus strand). VCF-style: chr1-201053564-G-A. GRCh37 (hg19) VCF-style: chr1-201022692-G-A.
Identifiers: ClinVar variation 1614480 (VCV001614480.9), dbSNP rs1246570435, ClinGen allele CA422719625.